The following is an entry in ClinVar:

NM_005476.7(GNE):c.1468A>T (p.Lys490Ter)

Gene: GNE (glucosamine (UDP-N-acetyl)-2-epimerase/N-acetylmannosamine kinase; minus strand). Cytogenetic location: 9p13.3.
Variant type: single nucleotide variant.
Coding change: c.1468A>T on transcript NM_005476.7 (MANE Select); coding-DNA position 1468, A replaced by T.
Protein change: p.Lys490Ter; replaces lysine 490 with a stop codon.
Molecular consequence: nonsense. On other transcripts: intron variant (1).
Genome position (GRCh38, 1-based): chr9:36,222,942, T>A on the plus strand (A>T on the coding strand, the complement: GNE is on the minus strand). VCF-style: chr9-36222942-T-A. GRCh37 (hg19) VCF-style: chr9-36222939-T-A.
Other names: c.1561A>T, p.Lys521Ter (NM_001128227.3); c.1138A>T, p.Lys380Ter (NM_001190384.3); c.1291A>T, p.Lys431Ter (NM_001190388.2, NM_001374798.1); c.1315A>T, p.Lys439Ter (NM_001374797.1); c.1411+431A>T (NM_001190383.3); short protein forms K431*, K380*, K439*, K490*, K521*.
Identifiers: ClinVar variation 955117 (VCV000955117.7), dbSNP rs1554658955, ClinGen allele CA373426751.

ClinVar aggregate classification (germline): Pathogenic (1 of 4 stars; one submission).

Conditions:
Sialuria. Also called: SIALURIA, FRENCH TYPE; Sialic Acid Storage Disease. Identifiers: Orphanet 3166, MedGen C0342853, MONDO:0010028, OMIM 269921.
GNE myopathy (NM). Also called: NONAKA DISTAL MYOPATHY; MYOPATHY, DISTAL, WITH OR WITHOUT RIMMED VACUOLES; INCLUSION BODY MYOPATHY, HEREDITARY, AUTOSOMAL RECESSIVE; INCLUSION BODY MYOPATHY 2, AUTOSOMAL RECESSIVE; IBM 2; Inclusion body myopathy autosomal recessive. Identifiers: Orphanet 602, MedGen C1853926, MONDO:0011603, OMIM 605820.

Allele frequency attached by ClinVar (database versions not stated): gnomAD exomes below 0.00001.
gnomAD v4.1: 3 of 1,614,208 alleles (0.00019%); highest among the groups gnomAD compares: Non-Finnish European, 0.00025%; no homozygotes.

Submission:

Labcorp Genetics (formerly Invitae), Labcorp
Classification: Pathogenic for Sialuria; GNE myopathy. Last evaluated: 2019-09-26. Review status: criteria provided, single submitter. Criteria: Invitae Variant Classification Sherloc (09022015). Collection method: clinical testing. Allele origin: germline.
Comment: Loss-of-function variants in GNE are known to be pathogenic (PMID: 24027297). For these reasons, this variant has been classified as Pathogenic. This variant has not been reported in the literature in individuals with GNE-related conditions. This variant is not present in population databases (ExAC no frequency). This sequence change creates a premature translational stop signal (p.Lys521*) in the GNE gene. It is expected to result in an absent or disrupted protein product.

Literature cited by the submitters: PubMed 24027297.